The following is an entry in ClinVar:

ClinVar aggregate classification (germline): Uncertain significance (1 of 4 stars; one submission).

Submission:

GeneDx
Classification: Uncertain significance. Last evaluated: 2022-02-25. Review status: criteria provided, single submitter. Criteria: GeneDx Variant Classification Process June 2021. Collection method: clinical testing. Allele origin: germline. Affected: yes.
Comment: Not observed at significant frequency in large population cohorts (gnomAD); Frameshift variant predicted to result in protein truncation or nonsense mediated decay in a gene for which loss-of-function is not a known mechanism of disease; Has not been previously published as pathogenic or benign to our knowledge

NM_000142.5(FGFR3):c.129del (p.Gly44fs)

Gene: FGFR3 (fibroblast growth factor receptor 3; plus strand). Cytogenetic location: 4p16.3.
Variant type: Deletion.
Coding change: c.129del on transcript NM_000142.5 (MANE Select); coding-DNA position 129, one base deleted (C; older notation c.129delC).
Protein change: p.Gly44fs; shifts the reading frame from glycine 44.
Molecular consequence: frameshift variant. On other transcripts: non-coding transcript variant (1).
Genome position (GRCh38, 1-based): chr4:1,799,273, C deleted; the last of 3 consecutive C bases (chr4:1,799,271-1,799,273); deleting any one gives the same sequence. VCF-style (leftmost placement, unchanged base first): chr4-1799270-GC-G. GRCh37 (hg19) VCF-style: chr4-1800997-GC-G.
Other names: c.129del, p.Gly44fs (NM_001163213.2, NM_001354809.2, NM_001354810.2 and 1 more transcripts); short protein forms G44fs.
Identifiers: ClinVar variation 1703280 (VCV001703280.2), dbSNP rs2546794831, ClinGen allele CA437952031.